The following is an entry in ClinVar:

ClinVar aggregate classification (germline): Uncertain significance (1 of 4 stars; one submission).

Conditions:
Developmental and epileptic encephalopathy, 49 (DEE49). Also called: Epileptic encephalopathy, early infantile, 49. Identifiers: MedGen C4310635, MONDO:0015002, OMIM 617281.

Submission:

Laboratorio de Genetica e Diagnostico Molecular, Hospital Israelita Albert Einstein
Classification: Uncertain significance for Developmental and epileptic encephalopathy, 49. Last evaluated: 2024-03-03. Review status: criteria provided, single submitter. Criteria: ACMG Guidelines, 2015. Collection method: clinical testing. Allele origin: germline. Affected: yes.
Comment: ACMG classification criteria: PM2 supporting, BP4 supporting

NM_015213.4(DENND5A):c.2875C>G (p.Leu959Val)

Gene: DENND5A (DENN domain containing 5A; minus strand). Cytogenetic location: 11p15.4.
Variant type: single nucleotide variant.
Coding change: c.2875C>G on transcript NM_015213.4 (MANE Select); coding-DNA position 2875, C replaced by G.
Protein change: p.Leu959Val; replaces leucine 959 with valine.
Molecular consequence: missense variant. On other transcripts: non-coding transcript variant (1).
Genome position (GRCh38, 1-based): chr11:9,145,798, G>C on the plus strand (C>G on the coding strand, the complement: DENND5A is on the minus strand). VCF-style: chr11-9145798-G-C. GRCh37 (hg19) VCF-style: chr11-9167345-G-C.
Other names: c.2875C>G, p.Leu959Val (NM_001243254.2); c.2803C>G, p.Leu935Val (NM_001348749.2); c.2587C>G, p.Leu863Val (NM_001348750.2); short protein forms L863V, L935V, L959V.
Identifiers: ClinVar variation 3901945 (VCV003901945.1).